The following is an entry in ClinVar:

NM_000019.4(ACAT1):c.510T>A (p.Tyr170Ter)

Gene: ACAT1 (acetyl-CoA acetyltransferase 1; plus strand). Cytogenetic location: 11q22.3.
Variant type: single nucleotide variant.
Coding change: c.510T>A on transcript NM_000019.4 (MANE Select); coding-DNA position 510, T replaced by A.
Protein change: p.Tyr170Ter; replaces tyrosine 170 with a stop codon.
Molecular consequence: nonsense. On other transcripts: non-coding transcript variant (2).
Genome position (GRCh38, 1-based): chr11:108,138,972, T>A. VCF-style: chr11-108138972-T-A. GRCh37 (hg19) VCF-style: chr11-108009699-T-A.
Other names: c.510T>A, p.Tyr170Ter (NM_001386677.1); c.195T>A, p.Tyr65Ter (NM_001386678.1); c.213T>A, p.Tyr71Ter (NM_001386679.1); c.240T>A, p.Tyr80Ter (NM_001386681.1, NM_001386682.1, NM_001386685.1 and 6 more transcripts); short protein forms Y170*, Y65*, Y71*, Y80*.
Identifiers: ClinVar variation 5014336 (VCV005014336.1).

ClinVar aggregate classification (germline): Pathogenic (1 of 4 stars; one submission).

Conditions:
Deficiency of acetyl-CoA acetyltransferase. Also called: 3-KETOTHIOLASE DEFICIENCY; 3-OXOTHIOLASE DEFICIENCY; MITOCHONDRIAL ACETOACETYL-CoA THIOLASE DEFICIENCY; Beta-ketothiolase deficiency. Identifiers: Orphanet 134, MedGen C1536500, MONDO:0008760, OMIM 203750. Disease mechanism: loss of function.

Submission:

Myriad Genetics, Inc.
Classification: Pathogenic for Deficiency of acetyl-CoA acetyltransferase. Last evaluated: 2025-04-19. Review status: criteria provided, single submitter. Criteria: Myriad Autosomal Dominant, Autosomal Recessive and X-Linked Classification Criteria (2023). Collection method: clinical testing. Allele origin: unknown.
Comment: NM_000019.3(ACAT1):c.510T>A(Y170*) is expected to be pathogenic in the context of beta-ketothiolase deficiency. This variant is predicted to lead to an abnormal or absent protein product due to the creation of a premature termination codon in ACAT1, a gene where loss-of-function variants are known to be pathogenic. Please note: this variant was assessed in the context of healthy population screening.